The following is an entry in ClinVar:

ClinVar aggregate classification (germline): Uncertain significance. Review status: criteria provided, multiple submitters, no conflicts (2 of 4 stars). 2 submissions from 2 submitters: Uncertain significance (2). Last evaluated 2025-06-22.

Conditions:
Congenital microvillous atrophy (DIAR2). Also called: MICROVILLUS ATROPHY, CONGENITAL; Microvillus inclusion disease; DAVIDSON DISEASE; CONGENITAL FAMILIAL PROTRACTED DIARRHEA WITH ENTEROCYTE BRUSH-BORDER ABNORMALITIES; Diarrhea 2 with microvillus atrophy, with or without cholestasis. Identifiers: Orphanet 2290, MedGen C0341306, MONDO:0009635, OMIM 251850.

Allele frequency attached by ClinVar (database versions not stated): gnomAD exomes 0.00003; gnomAD 0.00006; TOPMed 0.00007; ESP Exome Variant Server 0.00008.
gnomAD v4.1: 112 of 1,614,036 alleles (0.0069%); highest among the groups gnomAD compares: Non-Finnish European, 0.009%; no homozygotes.

Submissions (2):

Labcorp Genetics (formerly Invitae), Labcorp
Classification: Uncertain significance. Last evaluated: 2025-06-22. Review status: criteria provided, single submitter. Criteria: Invitae Variant Classification Sherloc (09022015). Collection method: clinical testing. Allele origin: germline.
Comment: This sequence change replaces alanine, which is neutral and non-polar, with threonine, which is neutral and polar, at codon 1757 of the MYO5B protein (p.Ala1757Thr). This variant is present in population databases (rs200931302, gnomAD 0.006%). This variant has not been reported in the literature in individuals affected with MYO5B-related conditions. ClinVar contains an entry for this variant (Variation ID: 888982). Invitae Evidence Modeling of protein sequence and biophysical properties (such as structural, functional, and spatial information, amino acid conservation, physicochemical variation, residue mobility, and thermodynamic stability) indicates that this missense variant is expected to disrupt MYO5B protein function with a positive predictive value of 80%. In summary, the available evidence is currently insufficient to determine the role of this variant in disease. Therefore, it has been classified as a Variant of Uncertain Significance.

Illumina Laboratory Services, Illumina
Classification: Uncertain significance for Congenital microvillous atrophy. Last evaluated: 2018-01-13. Review status: criteria provided, single submitter. Criteria: ICSL Variant Classification Criteria 13 December 2019. Collection method: clinical testing. Allele origin: germline.

NM_001080467.3(MYO5B):c.5269G>A (p.Ala1757Thr)

Genes: SNHG22 (small nucleolar RNA host gene 22; plus strand), MYO5B (myosin VB; minus strand). Cytogenetic location: 18q21.1.
Variant type: single nucleotide variant.
Coding change: c.5269G>A on transcript NM_001080467.3 (MANE Select); coding-DNA position 5269, G replaced by A.
Protein change: p.Ala1757Thr; replaces alanine 1757 with threonine.
Molecular consequence: missense variant.
Genome position (GRCh38, 1-based): chr18:49,836,755, C>T on the plus strand (G>A on the coding strand, the complement: MYO5B is on the minus strand). VCF-style: chr18-49836755-C-T. GRCh37 (hg19) VCF-style: chr18-47363125-C-T.
Other names: short protein forms A1757T.
Identifiers: ClinVar variation 888982 (VCV000888982.8), dbSNP rs200931302, ClinGen allele CA8960106.